The following is an entry in ClinVar:

ClinVar aggregate classification (germline): Uncertain significance (1 of 4 stars; one submission).

Submission:

Labcorp Genetics (formerly Invitae), Labcorp
Classification: Uncertain significance. Last evaluated: 2025-07-27. Review status: criteria provided, single submitter. Criteria: Invitae Variant Classification Sherloc (09022015). Collection method: clinical testing. Allele origin: germline.
Comment: This sequence change replaces lysine, which is basic and polar, with alanine, which is neutral and non-polar, at codon 614 of the KIF22 protein (p.Lys614Ala). This variant is present in population databases (no rsID available, gnomAD 0.0008%). This variant has not been reported in the literature in individuals affected with KIF22-related conditions. An algorithm developed to predict the effect of missense changes on protein structure and function (PolyPhen-2) suggests that this variant is likely to be disruptive. In summary, the available evidence is currently insufficient to determine the role of this variant in disease. Therefore, it has been classified as a Variant of Uncertain Significance.

NM_007317.3(KIF22):c.1840_1841delinsGC (p.Lys614Ala)

Gene: KIF22 (kinesin family member 22; plus strand). Cytogenetic location: 16p11.2.
Variant type: Indel.
Coding change: c.1840_1841delinsGC on transcript NM_007317.3 (MANE Select); coding-DNA positions 1840 to 1841, AA replaced by GC.
Protein change: p.Lys614Ala; replaces lysine 614 with alanine.
Molecular consequence: missense variant.
Genome position (GRCh38, 1-based): chr16:29,804,976-29,804,977, AA replaced by GC. VCF-style: chr16-29804976-AA-GC. GRCh37 (hg19) VCF-style: chr16-29816297-AA-GC.
Other names: c.1636_1637delinsGC, p.Lys546Ala (NM_001256269.2, NM_001256270.1); short protein forms K546A, K614A.
Identifiers: ClinVar variation 4812057 (VCV004812057.1).